The following is an entry in ClinVar:

ClinVar aggregate classification (germline): Uncertain significance (1 of 4 stars; one submission).

Conditions:
Thrombophilia due to protein S deficiency, autosomal recessive (THPH6). Identifiers: Orphanet 743, MedGen C3281092, MONDO:0013791, OMIM 614514. Disease mechanism: loss of function.

Allele frequency attached by ClinVar (database versions not stated): TOPMed 0.00005; gnomAD 0.00006; gnomAD exomes 0.00007; ExAC 0.00011.
gnomAD v4.1: 105 of 1,609,012 alleles (0.0065%); highest among the groups gnomAD compares: South Asian, 0.031%; 1 homozygote.

Submission:

Labcorp Genetics (formerly Invitae), Labcorp
Classification: Uncertain significance for Thrombophilia due to protein S deficiency, autosomal recessive. Last evaluated: 2022-03-26. Review status: criteria provided, single submitter. Criteria: Invitae Variant Classification Sherloc (09022015). Collection method: clinical testing. Allele origin: germline.
Comment: This sequence change replaces arginine, which is basic and polar, with glutamine, which is neutral and polar, at codon 561 of the PROS1 protein (p.Arg561Gln). This variant is present in population databases (rs377174703, gnomAD 0.02%). This variant has not been reported in the literature in individuals affected with PROS1-related conditions. Algorithms developed to predict the effect of missense changes on protein structure and function output the following: SIFT: "Tolerated"; PolyPhen-2: "Benign"; Align-GVGD: "Class C0". The glutamine amino acid residue is found in multiple mammalian species, which suggests that this missense change does not adversely affect protein function. Algorithms developed to predict the effect of sequence changes on RNA splicing suggest that this variant may create or strengthen a splice site. This variant disrupts the p.Arg561 amino acid residue in PROS1. Other variant(s) that disrupt this residue have been determined to be pathogenic (PMID: 15978566, 23813890, 30669159, 31422373). This suggests that this residue is clinically significant, and that variants that disrupt this residue are likely to be disease-causing. In summary, the available evidence is currently insufficient to determine the role of this variant in disease. Therefore, it has been classified as a Variant of Uncertain Significance.

Literature cited by the submitters: PubMed 15978566; PubMed 23813890; PubMed 30669159; PubMed 31422373.

NM_000313.4(PROS1):c.1682G>A (p.Arg561Gln)

Gene: PROS1 (protein S; minus strand). Cytogenetic location: 3q11.1.
Variant type: single nucleotide variant.
Coding change: c.1682G>A on transcript NM_000313.4 (MANE Select); coding-DNA position 1682, G replaced by A.
Protein change: p.Arg561Gln; replaces arginine 561 with glutamine.
Molecular consequence: missense variant.
Genome position (GRCh38, 1-based): chr3:93,877,154, C>T on the plus strand (G>A on the coding strand, the complement: PROS1 is on the minus strand). VCF-style: chr3-93877154-C-T. GRCh37 (hg19) VCF-style: chr3-93595998-C-T.
Other names: c.1778G>A, p.Arg593Gln (NM_001314077.2); short protein forms R561Q, R593Q.
Identifiers: ClinVar variation 1978833 (VCV001978833.1), dbSNP rs377174703, ClinGen allele CA2503119.
Genomic context (GRCh38, chr3:93,877,154, plus strand): 5'-CTGTTGACTCTAAATTCCAGATGAGATTGTTGATCGGAACATAGACTTAGGGCCTGTATC[C>T]GATATATTACAGTATTTTCAACAGATAACAGAATATCCTGAAGAGCAGAGCAAAGATTCA-3'
Protein context (NP_000304.2, residues 551-571): LLSVENTVIY[Arg561Gln]IQALSLCSDQ